The following is an entry in ClinVar:

ClinVar aggregate classification (germline): Uncertain significance. Review status: criteria provided, multiple submitters, no conflicts (2 of 4 stars). 2 submissions from 2 submitters: Uncertain significance (2). Last evaluated 2025-05-25.

gnomAD v4.1: 14 of 1,524,192 alleles (0.00092%); highest among the groups gnomAD compares: East Asian, 0.025%; no homozygotes.

Submissions (2):

Ambry Genetics
Classification: Uncertain significance. Last evaluated: 2025-05-25. Review status: criteria provided, single submitter. Criteria: Ambry Variant Classification Scheme 2023. Collection method: clinical testing. Allele origin: germline.

Labcorp Genetics (formerly Invitae), Labcorp
Classification: Uncertain significance. Last evaluated: 2024-09-02. Review status: criteria provided, single submitter. Criteria: Invitae Variant Classification Sherloc (09022015). Collection method: clinical testing. Allele origin: germline.
Comment: This sequence change replaces histidine, which is basic and polar, with arginine, which is basic and polar, at codon 477 of the REPS1 protein (p.His477Arg). This variant is present in population databases (rs541060025, gnomAD 0.05%). This variant has not been reported in the literature in individuals affected with REPS1-related conditions. Invitae Evidence Modeling of protein sequence and biophysical properties (such as structural, functional, and spatial information, amino acid conservation, physicochemical variation, residue mobility, and thermodynamic stability) indicates that this missense variant is not expected to disrupt REPS1 protein function with a negative predictive value of 80%. In summary, the available evidence is currently insufficient to determine the role of this variant in disease. Therefore, it has been classified as a Variant of Uncertain Significance.

NM_001286611.2(REPS1):c.1430A>G (p.His477Arg)

Gene: REPS1 (RALBP1 associated Eps domain containing 1; minus strand). Cytogenetic location: 6q24.1.
Variant type: single nucleotide variant.
Coding change: c.1430A>G on transcript NM_001286611.2 (MANE Select); coding-DNA position 1430, A replaced by G.
Protein change: p.His477Arg; replaces histidine 477 with arginine.
Molecular consequence: missense variant.
Genome position (GRCh38, 1-based): chr6:138,920,313, T>C on the plus strand (A>G on the coding strand, the complement: REPS1 is on the minus strand). VCF-style: chr6-138920313-T-C. GRCh37 (hg19) VCF-style: chr6-139241450-T-C.
Other names: c.1349A>G, p.His450Arg (NM_001128617.3, NM_001286612.2); c.1430A>G, p.His477Arg (NM_031922.5); c.1430A>G (NM_031922.3); short protein forms H450R, H477R.
Identifiers: ClinVar variation 3620527 (VCV003620527.3).